The following is an entry in ClinVar:

NM_000282.4(PCCA):c.1716dup (p.Val573fs)

Gene: PCCA (propionyl-CoA carboxylase subunit alpha; plus strand). Cytogenetic location: 13q32.3.
Variant type: Duplication.
Coding change: c.1716dup on transcript NM_000282.4 (MANE Select); coding-DNA position 1716, one base duplicated (A; older notation c.1716dupA).
Protein change: p.Val573fs; shifts the reading frame from valine 573.
Molecular consequence: frameshift variant. On other transcripts: non-coding transcript variant (2).
Genome position (GRCh38, 1-based): chr13:100,368,544, A duplicated. VCF-style (leftmost placement, unchanged base first): chr13-100368543-T-TA. GRCh37 (hg19) VCF-style: chr13-101020797-T-TA.
Other names: c.1638dup, p.Val547fs (NM_001127692.3, NM_001352607.2); c.1716dup, p.Val573fs (NM_001178004.2, NM_001352605.2, NM_001352609.2); c.1572dup, p.Val525fs (NM_001352606.2); c.1494dup, p.Val499fs (NM_001352608.2); c.771dup, p.Val258fs (NM_001352610.2, NM_001352611.2); c.627dup, p.Val210fs (NM_001352612.2); short protein forms V210fs, V525fs, V547fs, V573fs, V258fs, V499fs.
Identifiers: ClinVar variation 1396166 (VCV001396166.7), dbSNP rs2152811869, ClinGen allele CA2573149244.

ClinVar aggregate classification (germline): Pathogenic/Likely pathogenic. Review status: criteria provided, multiple submitters, no conflicts (2 of 4 stars). 2 submissions from 2 submitters: Pathogenic (1); Likely pathogenic (1). Last evaluated 2022-04-17.

Conditions:
Propionic acidemia (PROP). Also called: GLYCINEMIA, KETOTIC; HYPERGLYCINEMIA WITH KETOACIDOSIS AND LEUKOPENIA; KETOTIC HYPERGLYCINEMIA. Identifiers: Orphanet 35, MedGen C0268579, MONDO:0011628, OMIM 606054, HP:0003571.

Submissions (2):

Fulgent Genetics
Classification: Likely pathogenic for Propionic acidemia. Last evaluated: 2022-04-17. Review status: criteria provided, single submitter. Criteria: ACMG Guidelines, 2015. Collection method: clinical testing. Allele origin: unknown.

Labcorp Genetics (formerly Invitae), Labcorp
Classification: Pathogenic for Propionic acidemia. Last evaluated: 2021-09-25. Review status: criteria provided, single submitter. Criteria: Invitae Variant Classification Sherloc (09022015). Collection method: clinical testing. Allele origin: germline.
Comment: For these reasons, this variant has been classified as Pathogenic. This variant has not been reported in the literature in individuals affected with PCCA-related conditions. This variant is not present in population databases (ExAC no frequency). This sequence change creates a premature translational stop signal (p.Val573Serfs*14) in the PCCA gene. It is expected to result in an absent or disrupted protein product. Loss-of-function variants in PCCA are known to be pathogenic (PMID: 15464417).

Literature cited by the submitters: PubMed 15464417 (cited by Labcorp Genetics (formerly Invitae), Labcorp).